The following is an entry in ClinVar:

NM_003119.4(SPG7):c.376+140C>T

Gene: SPG7 (SPG7 matrix AAA peptidase subunit, paraplegin; plus strand). Cytogenetic location: 16q24.3.
Variant type: single nucleotide variant.
Coding change: c.376+140C>T on transcript NM_003119.4 (MANE Select); 140 bases into the intron after coding-DNA position 376, C replaced by T.
Molecular consequence: intron variant.
Genome position (GRCh38, 1-based): chr16:89,513,177, C>T. VCF-style: chr16-89513177-C-T. GRCh37 (hg19) VCF-style: chr16-89579585-C-T.
Other names: c.376+140C>T (NM_001363850.1, NM_199367.3).
Identifiers: ClinVar variation 677601 (VCV000677601.2), dbSNP rs112674109, ClinGen allele CA286524027.

ClinVar aggregate classification (germline): Likely benign. Review status: criteria provided, multiple submitters, no conflicts (2 of 4 stars). 2 submissions from 2 submitters: Likely benign (2). Last evaluated 2018-06-14.

Allele frequency attached by ClinVar (database versions not stated): 1000 Genomes Project 0.01098; 1000 Genomes Project 30x 0.01156; gnomAD 0.01270 and 0.01373; TOPMed 0.01479.
gnomAD v4.1: 3,365 of 1,233,392 alleles (0.27%); highest among the groups gnomAD compares: African/African-American, 4.4%; 71 homozygotes.

Submissions (2):

GeneDx
Classification: Likely benign. Last evaluated: 2018-06-14. Review status: criteria provided, single submitter. Criteria: GeneDx Variant Classification (06012015). Collection method: clinical testing. Allele origin: germline. Affected: yes.
Comment: This variant is considered likely benign or benign based on one or more of the following criteria: it is a conservative change, it occurs at a poorly conserved position in the protein, it is predicted to be benign by multiple in silico algorithms, and/or has population frequency not consistent with disease.

Breakthrough Genomics
Classification: Likely benign. Review status: criteria provided, single submitter. Criteria: ACMG Guidelines, 2015. Collection method: not provided. Allele origin: germline. Inheritance: Autosomal recessive inheritance. Affected: yes.